The following is an entry in ClinVar:

NM_000097.7(CPOX):c.*1105A>G

Gene: CPOX (coproporphyrinogen oxidase; minus strand). Cytogenetic location: 3q11.2.
Variant type: single nucleotide variant.
Coding change: c.*1105A>G on transcript NM_000097.7 (MANE Select); 1105 bases downstream of the stop codon, A replaced by G.
Molecular consequence: 3 prime UTR variant.
Genome position (GRCh38, 1-based): chr3:98,579,578, T>C on the plus strand (A>G on the coding strand, the complement: CPOX is on the minus strand). VCF-style: chr3-98579578-T-C. GRCh37 (hg19) VCF-style: chr3-98298422-T-C.
Other names: c.*1105A>G (LRG_1077t1).
Identifiers: ClinVar variation 346951 (VCV000346951.6), dbSNP rs73133922, ClinGen allele CA10619747.

ClinVar aggregate classification (germline): Benign. Review status: criteria provided, multiple submitters, no conflicts (2 of 4 stars). 2 submissions from 2 submitters: Benign (2). Last evaluated 2018-01-13.

Conditions:
Hereditary coproporphyria (HCP). Also called: Hereditary coproporphyria porphyria; Porphyria hepatica coproporphyria; Porphyria hepatica II; CPRO deficiency; COPROPORPHYRINOGEN OXIDASE DEFICIENCY; CPO DEFICIENCY. Identifiers: Orphanet 79273, MedGen C0162531, MONDO:0007369, OMIM 121300.

Allele frequency attached by ClinVar (database versions not stated): 1000 Genomes Project 0.00339; 1000 Genomes Project 30x 0.00406; gnomAD 0.00585 and 0.00607; TOPMed 0.00636; gnomAD exomes 0.01011.
gnomAD v4.1: 9,275 of 985,328 alleles (0.94%); highest among the groups gnomAD compares: Non-Finnish European, 1.1%; 46 homozygotes.

Submissions (2):

Illumina Laboratory Services, Illumina
Classification: Benign for Hereditary coproporphyria. Last evaluated: 2018-01-13. Review status: criteria provided, single submitter. Criteria: ICSL Variant Classification Criteria 13 December 2019. Collection method: clinical testing. Allele origin: germline.
Comment: This variant was observed in the ICSL laboratory as part of a predisposition screen in an ostensibly healthy population. It had not been previously curated by ICSL or reported in the Human Gene Mutation Database (HGMD: prior to June 1st, 2018), and was therefore a candidate for classification through an automated scoring system. Utilizing variant allele frequency, disease prevalence and penetrance estimates, and inheritance mode, an automated score was calculated to assess if this variant is too frequent to cause the disease. Based on the score and internal cut-off values, a variant classified as benign is not then subjected to further curation. The score for this variant resulted in a classification of benign for this disease.

Breakthrough Genomics
Classification: Benign. Review status: criteria provided, single submitter. Criteria: ACMG Guidelines, 2015. Collection method: not provided. Allele origin: germline. Inheritance: Autosomal recessive inheritance. Affected: yes.